The following is an entry in ClinVar:

NM_000051.4(ATM):c.217del (p.Glu73fs)

Gene: ATM (ATM serine/threonine kinase; plus strand). Cytogenetic location: 11q22.3.
Variant type: Deletion.
Coding change: c.217del on transcript NM_000051.4 (MANE Select); coding-DNA position 217, one base deleted (G; older notation c.217delG).
Protein change: p.Glu73fs; shifts the reading frame from glutamic acid 73.
Molecular consequence: frameshift variant.
Genome position (GRCh38, 1-based): chr11:108,229,209, G deleted. VCF-style (leftmost placement, unchanged base first): chr11-108229208-AG-A. GRCh37 (hg19) VCF-style: chr11-108099935-AG-A.
Other names: c.217del, p.Glu73fs (NM_001351834.2, NM_001351835.2, NM_001351836.2); short protein forms E73fs.
Identifiers: ClinVar variation 2026330 (VCV002026330.4), dbSNP rs2496919120, ClinGen allele CA2580083142.
Genomic context (GRCh38, chr11:108,229,208, plus strand): 5'-TTTCTGAAATTGCATTTTGTTTTCTTGAAGATTTTTACAGAAATATATTCAGAAAGAAAC[AG>A]AATGTCTGAGAATAGCAAAACCAAATGTATCAGCCTCAACACAAGCCTCCAGGCAGAAAA-3'

ClinVar aggregate classification (germline): Pathogenic (1 of 4 stars; one submission).

Conditions:
Ataxia-telangiectasia syndrome (AT). Also called: Ataxia-telangiectasia; AT, COMPLEMENTATION GROUP C; ATAXIA-TELANGIECTASIA, FRESNO VARIANT; Ataxia-telangiectasia, complementation group D; Ataxia-telangiectasia, complementation group E; LOUIS-BAR SYNDROME. Identifiers: Orphanet 100, MedGen C0004135, MONDO:0008840, OMIM 208900.

Submission:

Labcorp Genetics (formerly Invitae), Labcorp
Classification: Pathogenic for Ataxia-telangiectasia syndrome. Last evaluated: 2022-08-26. Review status: criteria provided, single submitter. Criteria: Invitae Variant Classification Sherloc (09022015). Collection method: clinical testing. Allele origin: germline.
Comment: This variant is not present in population databases (gnomAD no frequency). This variant has not been reported in the literature in individuals affected with ATM-related conditions. For these reasons, this variant has been classified as Pathogenic. This sequence change creates a premature translational stop signal (p.Glu73Asnfs*3) in the ATM gene. It is expected to result in an absent or disrupted protein product. Loss-of-function variants in ATM are known to be pathogenic (PMID: 23807571, 25614872).

Literature cited by the submitters: PubMed 23807571; PubMed 25614872.